The following is an entry in ClinVar:

ClinVar aggregate classification (germline): Uncertain significance (0 of 4 stars; one submission).

Conditions:
P3H2-related disorder. Also called: P3H2-related condition.

Submission:

PreventionGenetics, part of Exact Sciences
Classification: Uncertain significance for P3H2-related condition. Last evaluated: 2023-12-11. Review status: no assertion criteria provided. Collection method: clinical testing. Allele origin: germline.
Comment: The P3H2 c.68_74delinsTGGCCAGGCTGGTCTCGAACTCCTGACCTCAGGTGACCCGTCCGTCTCCGCCTCCAAAAGTGCTGGGATTATAGGCGTGAGCACGGCTGGACCAGGCTGTGTTTCTAAGGAGATGAAAGTACATACCATGTTCAAATATCCAAATGCCTTTTGCAGCTCAT variant is predicted to result in a frameshift and premature protein termination (p.Trp23Leufs*9). To our knowledge, this variant has not been reported in the literature or in a large population database, indicating this variant is rare. Loss of function within the N-terminal region of this gene, have not been a well documented cause of P3H2-related disease (Human Gene Mutation Database). At this time, the clinical significance of this variant is uncertain due to the absence of conclusive functional and genetic evidence.

NM_018192.4(P3H2):c.68_74delinsTGGCCAGGCTGGTCTCGAACTCCTGACCTCAGGTGACCCGTCCGTCTCCGCCTCCAAAAGTGCTGGGATTATAGGCGTGAGCACGGCTGGACCAGGCTGTGTTTCTAAGGAGATGAAAGTACATACCATGTTCAAATATCCAAATGCCTTTTGCAGCTCAT (p.Trp23_Gly25delinsLeuAlaArgLeuValSerAsnSerTer)

Genes: P3H2 (prolyl 3-hydroxylase 2; minus strand), LOC123464484 (Sharpr-MPRA regulatory region 10063; plus strand). Cytogenetic location: 3q28.
Variant type: Indel.
Coding change: c.68_74delinsTGGCCAGGCTGGTCTCGAACTCCTGACCTCAGGTGACCCGTCCGTCTCCGCCTCCAAAAGTGCTGGGATTATAGGCGTGAGCACGGCTGGACCAGGCTGTGTTTCTAAGGAGATGAAAGTACATACCATGTTCAAATATCCAAATGCCTTTTGCAGCTCAT on transcript NM_018192.4 (MANE Select); coding-DNA positions 68 to 74, the reference bases replaced by an inserted sequence.
Protein change: p.Trp23_Gly25delinsLeuAlaArgLeuValSerAsnSerTer.
Molecular consequence: nonsense. On other transcripts: intron variant (1).
Genome position (GRCh38, 1-based): chr3:190,120,658-190,120,664, 7 bases replaced. GRCh37 (hg19): chr3:189,838,447-189,838,453.
Other names: c.-64+1539_-64+1545delinsTGGCCAGGCTGGTCTCGAACTCCTGACCTCAGGTGACCCGTCCGTCTCCGCCTCCAAAAGTGCTGGGATTATAGGCGTGAGCACGGCTGGACCAGGCTGTGTTTCTAAGGAGATGAAAGTACATACCATGTTCAAATATCCAAATGCCTTTTGCAGCTCAT (NM_001134418.2).
Identifiers: ClinVar variation 3030631 (VCV003030631.2), dbSNP rs2473982943, ClinGen allele CA2740091068.